The following is an entry in ClinVar:

NM_001754.5(RUNX1):c.677G>C (p.Ser226Thr)

Gene: RUNX1 (RUNX family transcription factor 1; minus strand). Cytogenetic location: 21q22.12.
Variant type: single nucleotide variant.
Coding change: c.677G>C on transcript NM_001754.5 (MANE Select); coding-DNA position 677, G replaced by C.
Protein change: p.Ser226Thr; replaces serine 226 with threonine.
Molecular consequence: missense variant.
Genome position (GRCh38, 1-based): chr21:34,834,538, C>G on the plus strand (G>C on the coding strand, the complement: RUNX1 is on the minus strand). VCF-style: chr21-34834538-C-G. GRCh37 (hg19) VCF-style: chr21-36206835-C-G.
Other names: NM_001754.5(RUNX1):c.677G>C; p.Ser226Thr; c.596G>C, p.Ser199Thr (NM_001001890.3, NM_001122607.2); short protein forms S199T, S226T.
Identifiers: ClinVar variation 2905469 (VCV002905469.5), dbSNP rs1278946545, ClinGen allele CA410206919.

ClinVar aggregate classification (germline): Uncertain significance. Review status: reviewed by expert panel (3 of 4 stars). 3 submissions from 3 submitters: Uncertain significance (1). 2 of the submissions do not count toward it. Last evaluated 2024-10-29.

Conditions:
Hereditary thrombocytopenia and hematologic cancer predisposition syndrome. Identifiers: Orphanet 71290, MedGen CN281654, MONDO:0011071.
Hereditary thrombocytopenia and hematological cancer predisposition syndrome associated with RUNX1. Also called: RUNX1 Familial Platelet Disorder with Associated Myeloid Malignancies; Familial Platelet Disorder with Propensity to Acute Myelogenous Leukemia; Familial thrombocytopenia with propensity to acute myelogenous leukemia; PLATELET DISORDER, ASPIRIN-LIKE. Identifiers: Orphanet 71290, MedGen C1832388, MeSH C563324, MONDO:0100083, OMIM 601399.
Inborn genetic diseases. Identifiers: MedGen C0950123, MeSH D030342.

Allele frequency attached by ClinVar (database versions not stated): gnomAD exomes below 0.00001; TOPMed below 0.00001.
gnomAD v4.1: 1 of 1,611,950 alleles (0.000062%); highest among the groups gnomAD compares: Non-Finnish European, 0.000085%; no homozygotes.

Submissions (3):

ClinGen Myeloid Malignancy Variant Curation Expert Panel
Classification: Uncertain significance for Hereditary thrombocytopenia and hematologic cancer predisposition syndrome. Last evaluated: 2024-10-29. Review status: reviewed by expert panel. Criteria: ClinGen MyeloMalig ACMG Specifications v2. Collection method: curation. Allele origin: germline. Inheritance: Autosomal dominant inheritance.
Comment: NM_001754.5(RUNX1):c.677G>C (p.Ser226Thr) is a missense variant which is completely absent from all population databases with at least 20x coverage for RUNX1 (PM2_Supporting). In summary, the clinical significance of this variant is uncertain. ACMG/AMP criteria applied, as specified by the Myeloid Malignancy Variant Curation Expert Panel for RUNX1: PM2_Supporting.

Labcorp Genetics (formerly Invitae), Labcorp
Classification: Uncertain significance for Hereditary thrombocytopenia and hematological cancer predisposition syndrome associated with RUNX1. Last evaluated: 2026-01-22. Review status: criteria provided, single submitter. Criteria: Invitae Variant Classification Sherloc (09022015). Collection method: clinical testing. Allele origin: germline. Not counted in ClinVar's aggregate classification.
Comment: This sequence change replaces serine, which is neutral and polar, with threonine, which is neutral and polar, at codon 226 of the RUNX1 protein (p.Ser226Thr). This variant is not present in population databases (gnomAD no frequency). This variant has not been reported in the literature in individuals affected with RUNX1-related conditions. ClinVar contains an entry for this variant (Variation ID: 2905469). Invitae Evidence Modeling of protein sequence and biophysical properties (such as structural, functional, and spatial information, amino acid conservation, physicochemical variation, residue mobility, and thermodynamic stability) has been performed for this missense variant. However, the output from this modeling did not meet the statistical confidence thresholds required to predict the impact of this variant on RUNX1 protein function. In summary, the available evidence is currently insufficient to determine the role of this variant in disease. Therefore, it has been classified as a Variant of Uncertain Significance.

Ambry Genetics
Classification: Uncertain significance for Inborn genetic diseases. Last evaluated: 2025-07-14. Review status: criteria provided, single submitter. Criteria: Ambry Variant Classification Scheme 2023. Collection method: clinical testing. Allele origin: germline. Not counted in ClinVar's aggregate classification.
Comment: The p.S226T variant (also known as c.677G>C), located in coding exon 6 of the RUNX1 gene, results from a G to C substitution at nucleotide position 677. The serine at codon 226 is replaced by threonine, an amino acid with similar properties. This amino acid position is conserved. In addition, the in silico prediction for this alteration is inconclusive. Based on the available evidence, the clinical significance of this variant remains unclear.